The following is an entry in ClinVar:

ClinVar aggregate classification (germline): not provided (0 of 4 stars; one submission).

Conditions:
Preeclampsia. Identifiers: Orphanet 275555, MedGen C0032914, MONDO:0005081, HP:0100602.

Submission:

Institute of Molecular and Cell Biology, University of Tartu
No classification provided. Condition: Preeclampsia. Review status: no classification provided. Collection method: case-control. Allele origin: unknown. Affected: yes. Study: Kasak2014.
Comment: The study aimed to determine the contribution of copy number variants in the genetic etiology of normal and complicated pregnancies. The samples represented (i) maternal blood DNA drawn from healthy pregnant women during 1st or 2nd trimester and (ii) maternal and paternal blood DNA drawn at term pregnancy cases representing normal and complicated gestations (severe preeclampsia, PE; gestational diabetes, GD; small-for-gestational age newborn, SGA; large-for-gestational age newborn, LGA). We performed CNV calling based on genome-wide genotyping dataset (Illumina HumanOmniExpress-24-v1 BeadChip) by applying three algorithms, QuantiSNP, GADA (Genome Alteration Detection Algorithm) and CNstream in parallel. The acquired CNV calls were merged with HD-CNV (Hotspot Detector for Copy Number Variants) program and only the CNVs predicted by at least two programs, were considered in subsequent analysis.

Literature cited by the submitters: PubMed 25666259.

NC_000011.10:g.83154476_83165228dup

Genes: PCF11 (PCF11 cleavage and polyadenylation factor subunit; plus strand), LOC130006532 (ATAC-STARR-seq lymphoblastoid silent region 3819; plus strand), LOC130006533 (ATAC-STARR-seq lymphoblastoid active region 5347; plus strand), LOC130006534 (ATAC-STARR-seq lymphoblastoid silent region 3820; plus strand). Cytogenetic location: 11q14.1.
Variant type: Duplication.
Identifiers: ClinVar variation 157217 (VCV000157217.2).